The following is an entry in ClinVar:

ClinVar aggregate classification (germline): Pathogenic (1 of 4 stars; one submission).

Conditions:
Retinitis pigmentosa 12 (RP12). Also called: RP WITH OR WITHOUT PRESERVED PARAARTERIOLE RETINAL PIGMENT EPITHELIUM; RETINITIS PIGMENTOSA WITH OR WITHOUT PARAARTERIOLAR PRESERVATION OF RETINAL PIGMENT EPITHELIUM; RP WITH OR WITHOUT PPRPE. Identifiers: Orphanet 791, MedGen C1838647, MONDO:0010818, OMIM 600105.
Leber congenital amaurosis 8 (LCA8). Identifiers: Orphanet 65, MedGen C3151202, MONDO:0013453, OMIM 613835.

Submission:

Labcorp Genetics (formerly Invitae), Labcorp
Classification: Pathogenic for Leber congenital amaurosis 8; Retinitis pigmentosa 12. Last evaluated: 2023-04-16. Review status: criteria provided, single submitter. Criteria: Invitae Variant Classification Sherloc (09022015). Collection method: clinical testing. Allele origin: germline.
Comment: This sequence change creates a premature translational stop signal (p.Asn861Ilefs*21) in the CRB1 gene. It is expected to result in an absent or disrupted protein product. Loss-of-function variants in CRB1 are known to be pathogenic (PMID: 10508521, 22065545, 23379534, 25412400, 26957898, 28041643, 29391521). This variant is not present in population databases (gnomAD no frequency). This premature translational stop signal has been observed in individual(s) with retinitis pigmentosa (PMID: 27032803). In at least one individual the data is consistent with being in trans (on the opposite chromosome) from a pathogenic variant. This variant is also known as c.2579delA. For these reasons, this variant has been classified as Pathogenic.

Literature cited by the submitters: PubMed 10508521; PubMed 22065545; PubMed 23379534; PubMed 25412400; PubMed 26957898; PubMed 28041643; PubMed 29391521; PubMed 27032803.

NM_201253.3(CRB1):c.2582del (p.Asn861fs)

Gene: CRB1 (crumbs cell polarity complex component 1; plus strand). Cytogenetic location: 1q31.3.
Variant type: Deletion.
Coding change: c.2582del on transcript NM_201253.3 (MANE Select); coding-DNA position 2582, one base deleted (A; older notation c.2582delA).
Protein change: p.Asn861fs; shifts the reading frame from asparagine 861.
Molecular consequence: frameshift variant. On other transcripts: non-coding transcript variant (2), intron variant (1).
Genome position (GRCh38, 1-based): chr1:197,427,907, A deleted; the last of 4 consecutive A bases (chr1:197,427,904-197,427,907); deleting any one gives the same sequence. VCF-style (leftmost placement, unchanged base first): chr1-197427903-CA-C. GRCh37 (hg19) VCF-style: chr1-197397033-CA-C.
Other names: c.2246del, p.Asn749fs (NM_001193640.2); c.2375del, p.Asn792fs (NM_001257965.2); c.2128+5951del (NM_001257966.2); short protein forms N749fs, N861fs, N792fs.
Identifiers: ClinVar variation 2925304 (VCV002925304.3), dbSNP rs2528152663, ClinGen allele CA2586964527.